The following is an entry in ClinVar:

NM_001114753.3(ENG):c.790G>A (p.Asp264Asn)

Gene: ENG (endoglin; minus strand). Cytogenetic location: 9q34.11.
Variant type: single nucleotide variant.
Coding change: c.790G>A on transcript NM_001114753.3 (MANE Select); coding-DNA position 790, G replaced by A.
Protein change: p.Asp264Asn; replaces aspartic acid 264 with asparagine.
Molecular consequence: missense variant.
Genome position (GRCh38, 1-based): chr9:127,825,257, C>T on the plus strand (G>A on the coding strand, the complement: ENG is on the minus strand). VCF-style: chr9-127825257-C-T. GRCh37 (hg19) VCF-style: chr9-130587536-C-T.
Other names: c.790G>A, p.Asp264Asn (NM_000118.4, NM_001406715.1); c.244G>A, p.Asp82Asn (NM_001278138.2); short protein forms D264N, D82N.
Identifiers: ClinVar variation 1342710 (VCV001342710.12), dbSNP rs1210433339, ClinGen allele CA374983156.

ClinVar aggregate classification (germline): Uncertain significance. Review status: criteria provided, multiple submitters, no conflicts (2 of 4 stars). 3 submissions from 3 submitters: Uncertain significance (2). 1 of the submissions does not count toward it. Last evaluated 2025-10-21.

Conditions:
Telangiectasia, hereditary hemorrhagic, type 1 (HHT1). Also called: Osler Weber Rendu syndrome type 1; ENG-Related Hereditary Hemorrhagic Telangiectasia. Identifiers: Orphanet 774, MedGen C4551861, MONDO:0008535, OMIM 187300. Disease mechanism: loss of function.
Hereditary hemorrhagic telangiectasia (HHT). Also called: ORW DISEASE; Osler Weber Rendu syndrome; OSLER-RENDU-WEBER DISEASE; Osler hemorrhagic telangiectasia syndrome. Identifiers: Orphanet 774, MedGen C0039445, MONDO:0019180. Disease mechanism: loss of function.
Cardiovascular phenotype. Identifiers: MedGen CN230736.

Allele frequency attached by ClinVar (database versions not stated): gnomAD exomes below 0.00001; gnomAD 0.00001.
gnomAD v4.1: 7 of 1,612,386 alleles (0.00043%); highest among the groups gnomAD compares: Non-Finnish European, 0.00051%; no homozygotes.

Submissions (3):

Labcorp Genetics (formerly Invitae), Labcorp
Classification: Uncertain significance for Hereditary hemorrhagic telangiectasia. Last evaluated: 2025-10-21. Review status: criteria provided, single submitter. Criteria: Invitae Variant Classification Sherloc (09022015). Collection method: clinical testing. Allele origin: germline.
Comment: This sequence change replaces aspartic acid, which is acidic and polar, with asparagine, which is neutral and polar, at codon 264 of the ENG protein (p.Asp264Asn). This variant is present in population databases (no rsID available, gnomAD 0.002%). This missense change has been observed in individual(s) with hereditary hemorrhagic telangiectasia (PMID: 15517393, 16429404, 35587316, 36588762). ClinVar contains an entry for this variant (Variation ID: 1342710). Invitae Evidence Modeling of protein sequence and biophysical properties (such as structural, functional, and spatial information, amino acid conservation, physicochemical variation, residue mobility, and thermodynamic stability) indicates that this missense variant is not expected to disrupt ENG protein function with a negative predictive value of 95%. Experimental studies are conflicting or provide insufficient evidence to determine the effect of this variant on ENG function (PMID: 22022569). In summary, the available evidence is currently insufficient to determine the role of this variant in disease. Therefore, it has been classified as a Variant of Uncertain Significance.

Ambry Genetics
Classification: Uncertain significance for Cardiovascular phenotype. Last evaluated: 2025-02-20. Review status: criteria provided, single submitter. Criteria: Ambry Variant Classification Scheme 2023. Collection method: clinical testing. Allele origin: germline.
Comment: The p.D264N variant (also known as c.790G>A), located in coding exon 6 of the ENG gene, results from a G to A substitution at nucleotide position 790. The aspartic acid at codon 264 is replaced by asparagine, an amino acid with highly similar properties. This variant has been reported in individuals with a clinical diagnosis of hereditary hemorrhagic telangiectasia (Letteboer TG et al. Hum. Genet., 2005 Jan;116:8-16; Prigoda NL et al. J Med Genet, 2006 Sep;43:722-8; Lenato GM et al. Hum. Mutat., 2006 Feb;27:213-4). In a functional study, D264N was predominantly localized to the plasma membrane, similar to wild-type endoglin (Ali BR et al. PLoS ONE, 2011 Oct;6:e26206). This amino acid position is well conserved in available vertebrate species. In addition, this alteration is predicted to be tolerated by in silico analysis. Since supporting evidence is limited at this time, the clinical significance of this alteration remains unclear.

Diagnostics Division, CENTRE FOR DNA FINGERPRINTING AND DIAGNOSTICS
Classification: Likely pathogenic for Telangiectasia, hereditary hemorrhagic, type 1. Last evaluated: 2018-02-09. Review status: no assertion criteria provided. Collection method: clinical testing. Allele origin: germline. Inheritance: Autosomal recessive inheritance. Affected: yes. Observed: 1 homozygote. Not counted in ClinVar's aggregate classification.

Literature cited by the submitters: PubMed 15517393 (cited by Labcorp Genetics (formerly Invitae), Labcorp and Ambry Genetics); PubMed 16429404 (cited by Labcorp Genetics (formerly Invitae), Labcorp and Ambry Genetics); PubMed 35587316 (cited by Labcorp Genetics (formerly Invitae), Labcorp); PubMed 36588762 (cited by Labcorp Genetics (formerly Invitae), Labcorp); PubMed 22022569 (cited by Labcorp Genetics (formerly Invitae), Labcorp and Ambry Genetics); PubMed 16690726 (cited by Ambry Genetics).